The following is an entry in ClinVar:

ClinVar aggregate classification (germline): Conflicting classifications of pathogenicity. Review status: criteria provided, conflicting classifications (1 of 4 stars). 5 submissions from 5 submitters: Likely pathogenic (1); Uncertain significance (4). Last evaluated 2025-06-23.

Conditions:
RHO-related disorder. Also called: RHO-related condition.
Retinal dystrophy. Also called: Inherited retinal dystrophy. Identifiers: Orphanet 71862, MedGen C0854723, MeSH D058499, MONDO:0019118, HP:0000556.

Allele frequency attached by ClinVar (database versions not stated): gnomAD 0.00011; ESP Exome Variant Server 0.00015; TOPMed 0.00015.
gnomAD v4.1: 50 of 1,613,984 alleles (0.0031%); highest among the groups gnomAD compares: African/African-American, 0.02%; no homozygotes.

Submissions (5):

PreventionGenetics, part of Exact Sciences
Classification: Uncertain significance for RHO-related condition. Last evaluated: 2025-06-23. Review status: criteria provided, single submitter. Criteria: ACMG Guidelines, 2015. Collection method: clinical testing. Allele origin: germline.
Comment: The RHO c.578C>T variant is predicted to result in the amino acid substitution p.Thr193Met. This variant has been observed in individuals with retinitis pigmentosa in the heterozygous state (Table S3, Mihalich et al. 2024. PubMed ID: 38927702; Cideciyan et al. 1998. PubMed ID: 9618546; Internal Data, PreventionGenetics) or with unknown zygosity (Stone. 2003. PubMed ID: 14971589; Table S1, Sumaroka et al. 2019. PubMed ID: 31717845). This variant was also reported in a healthy individual in one cohort, and was present in another two individuals with Best macular dystrophy and a BEST1 variant (Bernardis et al. 2016. PubMed: 28127548). This variant is reported in 0.016% of alleles in individuals of African descent in gnomAD. Functional studies revealed that this variant reduces RHO surface expression (Table S1, Wan et al. 2019. PubMed ID: 30977563), but does not significantly affect protein stability (Rakoczy et al. 2011. PubMed ID: 21094163). Although we suspect that this variant may be pathogenic, at this time, the clinical significance of this variant is uncertain due to the absence of conclusive functional and genetic evidence.

Labcorp Genetics (formerly Invitae), Labcorp
Classification: Likely pathogenic. Last evaluated: 2025-05-18. Review status: criteria provided, single submitter. Criteria: Invitae Variant Classification Sherloc (09022015). Collection method: clinical testing. Allele origin: germline.
Comment: This sequence change replaces threonine, which is neutral and polar, with methionine, which is neutral and non-polar, at codon 193 of the RHO protein (p.Thr193Met). This variant is present in population databases (rs373974298, gnomAD 0.01%). This missense change has been observed in individuals with clinical features of autosomal dominant RHO-related conditions (PMID: 9618546, 38927702; internal data). ClinVar contains an entry for this variant (Variation ID: 969837). Invitae Evidence Modeling of protein sequence and biophysical properties (such as structural, functional, and spatial information, amino acid conservation, physicochemical variation, residue mobility, and thermodynamic stability) has been performed for this missense variant. However, the output from this modeling did not meet the statistical confidence thresholds required to predict the impact of this variant on RHO protein function. Experimental studies have shown that this missense change affects RHO function (PMID: 30977563). In summary, the currently available evidence indicates that the variant is pathogenic, but additional data are needed to prove that conclusively. Therefore, this variant has been classified as Likely Pathogenic.

Blueprint Genetics
Classification: Uncertain significance. Last evaluated: 2024-05-22. Review status: criteria provided, single submitter. Criteria: ACMG Guidelines, 2015. Collection method: clinical testing. Allele origin: germline.

Genomic Medicine Center of Excellence, King Faisal Specialist Hospital and Research Centre
Classification: Uncertain significance. Last evaluated: 2024-04-04. Review status: criteria provided, single submitter. Criteria: ACMG Guidelines, 2015. Collection method: clinical testing. Allele origin: germline.

Dept Of Ophthalmology, Nagoya University
Classification: Uncertain significance for Retinal dystrophy. Last evaluated: 2023-10-01. Review status: criteria provided, single submitter. Criteria: Submitter's publication. Collection method: research. Allele origin: germline. Affected: yes.

Literature cited by the submitters: PubMed 9618546 (cited by Labcorp Genetics (formerly Invitae), Labcorp); PubMed 38927702 (cited by Labcorp Genetics (formerly Invitae), Labcorp); PubMed 30977563 (cited by Labcorp Genetics (formerly Invitae), Labcorp).

NM_000539.3(RHO):c.578C>T (p.Thr193Met)

Gene: RHO (rhodopsin; plus strand). Cytogenetic location: 3q22.1.
Variant type: single nucleotide variant.
Coding change: c.578C>T on transcript NM_000539.3 (MANE Select); coding-DNA position 578, C replaced by T.
Protein change: p.Thr193Met; replaces threonine 193 with methionine.
Molecular consequence: missense variant.
Genome position (GRCh38, 1-based): chr3:129,532,298, C>T. VCF-style: chr3-129532298-C-T. GRCh37 (hg19) VCF-style: chr3-129251141-C-T.
Other names: short protein forms T193M.
Identifiers: ClinVar variation 969837 (VCV000969837.15), dbSNP rs373974298, ClinGen allele CA2607209.